The following is an entry in ClinVar:

ClinVar aggregate classification (germline): Uncertain significance. Review status: criteria provided, multiple submitters, no conflicts (2 of 4 stars). 3 submissions from 3 submitters: Uncertain significance (3). Last evaluated 2025-03-03.

gnomAD v4.1: 14 of 1,584,172 alleles (0.00088%); highest among the groups gnomAD compares: Admixed American, 0.024%; no homozygotes.

Submissions (3):

Ambry Genetics
Classification: Uncertain significance. Last evaluated: 2025-03-03. Review status: criteria provided, single submitter. Criteria: Ambry Variant Classification Scheme 2023. Collection method: clinical testing. Allele origin: germline.

Women's Health and Genetics/Laboratory Corporation of America, LabCorp
Classification: Uncertain significance. Last evaluated: 2024-02-08. Review status: criteria provided, single submitter. Criteria: LabCorp Variant Classification Summary - May 2015. Collection method: clinical testing. Allele origin: germline.

Labcorp Genetics (formerly Invitae), Labcorp
Classification: Uncertain significance. Last evaluated: 2023-02-01. Review status: criteria provided, single submitter. Criteria: Invitae Variant Classification Sherloc (09022015). Collection method: clinical testing. Allele origin: germline.
Comment: This sequence change replaces proline, which is neutral and non-polar, with alanine, which is neutral and non-polar, at codon 274 of the ABRAXAS1 protein (p.Pro274Ala). This variant is present in population databases (no rsID available, gnomAD 0.02%). This variant has not been reported in the literature in individuals affected with ABRAXAS1-related conditions. ClinVar contains an entry for this variant (Variation ID: 971920). Advanced modeling of protein sequence and biophysical properties (such as structural, functional, and spatial information, amino acid conservation, physicochemical variation, residue mobility, and thermodynamic stability) performed at Invitae indicates that this missense variant is not expected to disrupt ABRAXAS1 protein function. In summary, the available evidence is currently insufficient to determine the role of this variant in disease. Therefore, it has been classified as a Variant of Uncertain Significance.

NM_139076.3(ABRAXAS1):c.820C>G (p.Pro274Ala)

Gene: ABRAXAS1 (abraxas 1, BRCA1 A complex subunit; minus strand). Cytogenetic location: 4q21.23.
Variant type: single nucleotide variant.
Coding change: c.820C>G on transcript NM_139076.3 (MANE Select); coding-DNA position 820, C replaced by G.
Protein change: p.Pro274Ala; replaces proline 274 with alanine.
Molecular consequence: missense variant.
Genome position (GRCh38, 1-based): chr4:83,462,879, G>C on the plus strand (C>G on the coding strand, the complement: ABRAXAS1 is on the minus strand). VCF-style: chr4-83462879-G-C. GRCh37 (hg19) VCF-style: chr4-84384032-G-C.
Other names: c.493C>G, p.Pro165Ala (NM_001345962.2); short protein forms P274A, P165A.
Identifiers: ClinVar variation 971920 (VCV000971920.14), dbSNP rs1060503252, ClinGen allele CA357256690.